The following is an entry in ClinVar:

ClinVar aggregate classification (germline): Uncertain significance (1 of 4 stars; one submission).

Conditions:
Inborn genetic diseases. Identifiers: MedGen C0950123, MeSH D030342.

Submission:

Ambry Genetics
Classification: Uncertain significance for Inborn genetic diseases. Last evaluated: 2022-09-24. Review status: criteria provided, single submitter. Criteria: Ambry Variant Classification Scheme 2023. Collection method: clinical testing. Allele origin: germline.
Comment: The p.N2381K variant (also known as c.7143C>G), located in coding exon 42 of the ATR gene, results from a C to G substitution at nucleotide position 7143. The asparagine at codon 2381 is replaced by lysine, an amino acid with similar properties. This amino acid position is conserved. In addition, this alteration is predicted to be tolerated by in silico analysis. Since supporting evidence is limited at this time, the clinical significance of this alteration remains unclear.

NM_001184.4(ATR):c.7143C>G (p.Asn2381Lys)

Gene: ATR (ATR checkpoint kinase; minus strand). Cytogenetic location: 3q23.
Variant type: single nucleotide variant.
Coding change: c.7143C>G on transcript NM_001184.4 (MANE Select); coding-DNA position 7143, C replaced by G.
Protein change: p.Asn2381Lys; replaces asparagine 2381 with lysine.
Molecular consequence: missense variant.
Genome position (GRCh38, 1-based): chr3:142,461,989, G>C on the plus strand (C>G on the coding strand, the complement: ATR is on the minus strand). VCF-style: chr3-142461989-G-C. GRCh37 (hg19) VCF-style: chr3-142180831-G-C.
Other names: c.6951C>G, p.Asn2317Lys (NM_001354579.2); short protein forms N2317K, N2381K.
Identifiers: ClinVar variation 1757357 (VCV001757357.2), dbSNP rs761609210, ClinGen allele CA354799373.
Genomic context (GRCh38, chr3:142,461,989, plus strand): 5'-AATTTTAGTACCCTTTTCTTTATATAGTTTGGTCAGAATAGGTCTCAAACCAGCAGTGTT[G>C]TTCACCCATTCAATAATCCCACATTCATCATTTAGTGGAATAACTGCATATGTTCGAATA-3'
Protein context (NP_001175.2, residues 2371-2391): NDECGIIEWV[Asn2381Lys]NTAGLRPILT